The following is an entry in ClinVar:

NM_000138.5(FBN1):c.831del (p.His277fs)

Gene: FBN1 (fibrillin 1; minus strand). Cytogenetic location: 15q21.1.
Variant type: Deletion.
Coding change: c.831del on transcript NM_000138.5 (MANE Select); coding-DNA position 831, one base deleted (C; older notation c.831delC).
Protein change: p.His277fs; shifts the reading frame from histidine 277.
Molecular consequence: frameshift variant.
Genome position (GRCh38, 1-based): chr15:48,534,111, G deleted on the plus strand (C on the coding strand, the reverse complement: FBN1 is on the minus strand). VCF-style (leftmost placement, unchanged base first): chr15-48534110-TG-T. GRCh37 (hg19) VCF-style: chr15-48826307-TG-T.
Other names: short protein forms H277fs.
Identifiers: ClinVar variation 850708 (VCV000850708.7), dbSNP rs2043994405, ClinGen allele CA916082426.

ClinVar aggregate classification (germline): Pathogenic (1 of 4 stars; one submission).

Conditions:
Familial thoracic aortic aneurysm and aortic dissection (TAAD). Also called: Thoracic aortic aneurysms and dissections. Identifiers: Orphanet 91387, MedGen C4707243, MONDO:0019625.
Marfan syndrome (MFS). Also called: FBN1-Related Marfan Syndrome; Marfan's syndrome; MARFAN SYNDROME, TYPE I; Marfan syndrome type 1; Marfan syndrome, classic. Identifiers: Orphanet 284963, Orphanet 558, MedGen C0024796, MONDO:0007947, OMIM 154700.

Submission:

Labcorp Genetics (formerly Invitae), Labcorp
Classification: Pathogenic for Marfan syndrome; Familial thoracic aortic aneurysm and aortic dissection. Last evaluated: 2022-06-20. Review status: criteria provided, single submitter. Criteria: Invitae Variant Classification Sherloc (09022015). Collection method: clinical testing. Allele origin: germline.
Comment: This variant is not present in population databases (gnomAD no frequency). This sequence change creates a premature translational stop signal (p.His277Glnfs*53) in the FBN1 gene. It is expected to result in an absent or disrupted protein product. Loss-of-function variants in FBN1 are known to be pathogenic (PMID: 17657824, 19293843). For these reasons, this variant has been classified as Pathogenic. ClinVar contains an entry for this variant (Variation ID: 850708). This variant has not been reported in the literature in individuals affected with FBN1-related conditions.

Literature cited by the submitters: PubMed 17657824; PubMed 19293843.